The following is an entry in ClinVar:

ClinVar aggregate classification (germline): Uncertain significance (1 of 4 stars; one submission).

Submission:

Labcorp Genetics (formerly Invitae), Labcorp
Classification: Uncertain significance. Last evaluated: 2021-05-27. Review status: criteria provided, single submitter. Criteria: Invitae Variant Classification Sherloc (09022015). Collection method: clinical testing. Allele origin: germline.
Comment: In summary, the available evidence is currently insufficient to determine the role of this variant in disease. Therefore, it has been classified as a Variant of Uncertain Significance. Algorithms developed to predict the effect of missense changes on protein structure and function (SIFT, PolyPhen-2, Align-GVGD) all suggest that this variant is likely to be tolerated, but these predictions have not been confirmed by published functional studies and their clinical significance is uncertain. This variant has not been reported in the literature in individuals with CTNNA1-related conditions. This variant is not present in population databases (ExAC no frequency). This sequence change replaces glutamic acid with alanine at codon 608 of the CTNNA1 protein (p.Glu608Ala). The glutamic acid residue is highly conserved and there is a moderate physicochemical difference between glutamic acid and alanine.

NM_001903.5(CTNNA1):c.1823A>C (p.Glu608Ala)

Gene: CTNNA1 (catenin alpha 1; plus strand). Cytogenetic location: 5q31.2.
Variant type: single nucleotide variant.
Coding change: c.1823A>C on transcript NM_001903.5 (MANE Select); coding-DNA position 1823, A replaced by C.
Protein change: p.Glu608Ala; replaces glutamic acid 608 with alanine.
Molecular consequence: missense variant.
Genome position (GRCh38, 1-based): chr5:138,925,331, A>C. VCF-style: chr5-138925331-A-C. GRCh37 (hg19) VCF-style: chr5-138261020-A-C.
Other names: c.713A>C, p.Glu238Ala (NM_001324002.1, NM_001324003.1, NM_001324004.1 and 17 more transcripts); c.374A>C, p.Glu125Ala (NM_001324006.1, NM_001324007.1, NM_001324008.1 and 2 more transcripts); c.620A>C, p.Glu207Ala (NM_001324011.1); c.1823A>C, p.Glu608Ala (NM_001290307.3, NM_001323982.2, NM_001323983.1 and 2 more transcripts); c.1514A>C, p.Glu505Ala (NM_001290309.3); c.1454A>C, p.Glu485Ala (NM_001290310.3); c.1730A>C, p.Glu577Ala (NM_001323986.2); c.470A>C, p.Glu157Ala (NM_001324012.1, NM_001324013.1); short protein forms E238A, E577A, E505A, E608A, E125A, E485A, E157A, E207A.
Identifiers: ClinVar variation 1397584 (VCV001397584.8), dbSNP rs2150295122, ClinGen allele CA361132282.